The following is an entry in ClinVar:

ClinVar aggregate classification (germline): Uncertain significance (1 of 4 stars; one submission).

Conditions:
Progressive myoclonic epilepsy type 7. Identifiers: Orphanet 435438, MedGen C4015420, MONDO:0014521, OMIM 616187.

Submission:

Labcorp Genetics (formerly Invitae), Labcorp
Classification: Uncertain significance for Progressive myoclonic epilepsy type 7. Last evaluated: 2022-08-31. Review status: criteria provided, single submitter. Criteria: Invitae Variant Classification Sherloc (09022015). Collection method: clinical testing. Allele origin: germline.
Comment: This sequence change replaces histidine, which is basic and polar, with arginine, which is basic and polar, at codon 45 of the KCNC1 protein (p.His45Arg). This variant is not present in population databases (gnomAD no frequency). This variant has not been reported in the literature in individuals affected with KCNC1-related conditions. Advanced modeling of protein sequence and biophysical properties (such as structural, functional, and spatial information, amino acid conservation, physicochemical variation, residue mobility, and thermodynamic stability) performed at Invitae indicates that this missense variant is not expected to disrupt KCNC1 protein function. In summary, the available evidence is currently insufficient to determine the role of this variant in disease. Therefore, it has been classified as a Variant of Uncertain Significance.

NM_001112741.2(KCNC1):c.134A>G (p.His45Arg)

Gene: KCNC1 (potassium voltage-gated channel subfamily C member 1; plus strand). Cytogenetic location: 11p15.1.
Variant type: single nucleotide variant.
Coding change: c.134A>G on transcript NM_001112741.2 (MANE Select); coding-DNA position 134, A replaced by G.
Protein change: p.His45Arg; replaces histidine 45 with arginine.
Molecular consequence: missense variant.
Genome position (GRCh38, 1-based): chr11:17,736,136, A>G. VCF-style: chr11-17736136-A-G. GRCh37 (hg19) VCF-style: chr11-17757683-A-G.
Other names: c.134A>G, p.His45Arg (NM_004976.4); short protein forms H45R.
Identifiers: ClinVar variation 2094356 (VCV002094356.4), dbSNP rs2497736049, ClinGen allele CA379799206.